The following is an entry in ClinVar:

ClinVar aggregate classification (germline): Uncertain significance (1 of 4 stars; one submission).

Submission:

Labcorp Genetics (formerly Invitae), Labcorp
Classification: Uncertain significance. Last evaluated: 2025-07-30. Review status: criteria provided, single submitter. Criteria: Invitae Variant Classification Sherloc (09022015). Collection method: clinical testing. Allele origin: germline.
Comment: This sequence change falls in intron 6 of the COMP gene. It does not directly change the encoded amino acid sequence of the COMP protein. This variant is not present in population databases (gnomAD no frequency). This variant has not been reported in the literature in individuals affected with COMP-related conditions. Algorithms developed to predict the effect of sequence changes on RNA splicing suggest that this variant may disrupt the consensus splice site. In summary, the available evidence is currently insufficient to determine the role of this variant in disease. Therefore, it has been classified as a Variant of Uncertain Significance.

NM_000095.3(COMP):c.604-13G>A

Gene: COMP (cartilage oligomeric matrix protein; minus strand). Cytogenetic location: 19p13.11.
Variant type: single nucleotide variant.
Coding change: c.604-13G>A on transcript NM_000095.3 (MANE Select); 13 bases into the intron before coding-DNA position 604, G replaced by A.
Molecular consequence: intron variant.
Genome position (GRCh38, 1-based): chr19:18,788,763, C>T on the plus strand (G>A on the coding strand, the complement: COMP is on the minus strand). VCF-style: chr19-18788763-C-T. GRCh37 (hg19) VCF-style: chr19-18899572-C-T.
Identifiers: ClinVar variation 4780268 (VCV004780268.1).